The following is an entry in ClinVar:

NM_001379200.1(TBX1):c.284C>T (p.Pro95Leu)

Gene: TBX1 (T-box transcription factor 1; plus strand). Cytogenetic location: 22q11.21.
Variant type: single nucleotide variant.
Coding change: c.284C>T on transcript NM_001379200.1 (MANE Select); coding-DNA position 284, C replaced by T.
Protein change: p.Pro95Leu; replaces proline 95 with leucine.
Molecular consequence: missense variant.
Genome position (GRCh38, 1-based): chr22:19,761,127, C>T. VCF-style: chr22-19761127-C-T. GRCh37 (hg19) VCF-style: chr22-19748650-C-T.
Other names: c.257C>T, p.Pro86Leu (NM_005992.1, NM_080646.2, NM_080647.1); short protein forms P86L, P95L.
Identifiers: ClinVar variation 851589 (VCV000851589.18), dbSNP rs775295536, ClinGen allele CA10102387.

ClinVar aggregate classification (germline): Conflicting classifications of pathogenicity. Review status: criteria provided, conflicting classifications (1 of 4 stars). 3 submissions from 3 submitters: Uncertain significance (1); Likely benign (2). Last evaluated 2025-12-01.

Conditions:
DiGeorge syndrome. Also called: THIRD AND FOURTH PHARYNGEAL POUCH SYNDROME; Catch22. Identifiers: Orphanet 567, MedGen C0012236, MONDO:0008564, OMIM 188400.
Cardiovascular phenotype. Identifiers: MedGen CN230736.

Allele frequency attached by ClinVar (database versions not stated): TOPMed 0.00006; gnomAD 0.00008 and 0.00009; gnomAD exomes 0.00011; ExAC 0.00039.

Submissions (3):

CeGaT Center for Human Genetics Tuebingen
Classification: Likely benign. Last evaluated: 2025-12-01. Review status: criteria provided, single submitter. Criteria: CeGaT Center For Human Genetics Tuebingen Variant Classification Criteria Version 2. Collection method: clinical testing. Allele origin: germline. Affected: yes. Observed: 2 variant alleles.
Comment: TBX1: BS2

Labcorp Genetics (formerly Invitae), Labcorp
Classification: Uncertain significance for DiGeorge syndrome. Last evaluated: 2025-08-13. Review status: criteria provided, single submitter. Criteria: Invitae Variant Classification Sherloc (09022015). Collection method: clinical testing. Allele origin: germline.
Comment: This sequence change replaces proline, which is neutral and non-polar, with leucine, which is neutral and non-polar, at codon 86 of the TBX1 protein (p.Pro86Leu). This variant is present in population databases (rs775295536, gnomAD 0.02%). This missense change has been observed in individual(s) with clinical features of TBX1-related conditions (PMID: 30007050). ClinVar contains an entry for this variant (Variation ID: 851589). Invitae Evidence Modeling of protein sequence and biophysical properties (such as structural, functional, and spatial information, amino acid conservation, physicochemical variation, residue mobility, and thermodynamic stability) indicates that this missense variant is not expected to disrupt TBX1 protein function with a negative predictive value of 80%. In summary, the available evidence is currently insufficient to determine the role of this variant in disease. Therefore, it has been classified as a Variant of Uncertain Significance.

Ambry Genetics
Classification: Likely benign for Cardiovascular phenotype. Last evaluated: 2025-07-25. Review status: criteria provided, single submitter. Criteria: Ambry Variant Classification Scheme 2023. Collection method: clinical testing. Allele origin: germline.

Literature cited by the submitters: PubMed 30007050 (cited by Labcorp Genetics (formerly Invitae), Labcorp and Ambry Genetics).